The following is an entry in ClinVar:

NM_133379.5(TTN):c.11815C>T (p.Pro3939Ser)

Gene: TTN (titin; minus strand). Cytogenetic location: 2q31.2.
Variant type: single nucleotide variant.
Coding change: c.11815C>T on transcript NM_133379.5; coding-DNA position 11815, C replaced by T.
Protein change: p.Pro3939Ser; replaces proline 3939 with serine.
Molecular consequence: missense variant. On other transcripts: intron variant (6).
Genome position (GRCh38, 1-based): chr2:178,750,585, G>A on the plus strand (C>T on the coding strand, the complement: TTN is on the minus strand). VCF-style: chr2-178750585-G-A. GRCh37 (hg19) VCF-style: chr2-179615312-G-A.
Other names: p.P3939S:CCA>TCA; c.10222+2539C>T (NM_003319.4); c.10798+2539C>T (NM_133437.4); c.10597+2539C>T (NM_133432.3); c.10360+2539C>T (NM_133378.4, NM_001256850.1); c.11311+2539C>T (NM_001267550.2); short protein forms P3939S.
Identifiers: ClinVar variation 203189 (VCV000203189.3), dbSNP rs372301168, ClinGen allele CA311626.

ClinVar aggregate classification (germline): Uncertain significance (1 of 4 stars; one submission).

Allele frequency attached by ClinVar (database versions not stated): gnomAD 0.00001; gnomAD exomes 0.00001; ExAC 0.00002; TOPMed 0.00002; ESP Exome Variant Server 0.00008.
gnomAD v4.1: 2 of 1,612,192 alleles (0.00012%); highest among the groups gnomAD compares: African/African-American, 0.0027%; no homozygotes.

Submission:

GeneDx
Classification: Uncertain significance. Last evaluated: 2026-04-03. Review status: criteria provided, single submitter. Criteria: GeneDx Variant Classification Process June 2021. Collection method: clinical testing. Allele origin: germline. Affected: yes.
Comment: Not observed at significant frequency in large population cohorts (gnomAD); Has not been previously published as pathogenic or benign to our knowledge